The following is an entry in ClinVar:

ClinVar aggregate classification (germline): Uncertain significance (1 of 4 stars; one submission).

Submission:

GeneDx
Classification: Uncertain significance. Last evaluated: 2026-07-27. Review status: criteria provided, single submitter. Criteria: GeneDx Variant Classification Process June 2021. Collection method: clinical testing. Allele origin: germline.
Comment: Not observed at significant frequency in large population cohorts (gnomAD); In silico analysis suggests that this missense variant does not alter protein structure/function; Has not been previously published as pathogenic or benign to our knowledge

NM_013450.4(BAZ2B):c.3037A>G (p.Met1013Val)

Gene: BAZ2B (bromodomain adjacent to zinc finger domain 2B; minus strand). Cytogenetic location: 2q24.2.
Variant type: single nucleotide variant.
Coding change: c.3037A>G on transcript NM_013450.4 (MANE Select); coding-DNA position 3037, A replaced by G.
Protein change: p.Met1013Val; replaces methionine 1013 with valine.
Molecular consequence: missense variant.
Genome position (GRCh38, 1-based): chr2:159,395,807, T>C on the plus strand (A>G on the coding strand, the complement: BAZ2B is on the minus strand). VCF-style: chr2-159395807-T-C. GRCh37 (hg19) VCF-style: chr2-160252318-T-C.
Other names: c.2929A>G, p.Met977Val (NM_001289975.1); c.2875A>G, p.Met959Val (NM_001329857.2); c.2962A>G, p.Met988Val (NM_001329858.2); short protein forms M977V, M959V, M988V, M1013V.
Identifiers: ClinVar variation 4795775 (VCV004795775.2).